The following is an entry in ClinVar:

NM_213647.3(FGFR4):c.28G>A (p.Val10Ile)

Gene: FGFR4 (fibroblast growth factor receptor 4; plus strand). Cytogenetic location: 5q35.2.
Variant type: single nucleotide variant.
Coding change: c.28G>A on transcript NM_213647.3 (MANE Select); coding-DNA position 28, G replaced by A.
Protein change: p.Val10Ile; replaces valine 10 with isoleucine.
Molecular consequence: missense variant.
Genome position (GRCh38, 1-based): chr5:177,089,630, G>A. VCF-style: chr5-177089630-G-A. GRCh37 (hg19) VCF-style: chr5-176516631-G-A.
Other names: c.28G>A, p.Val10Ile (NM_001291980.2, NM_001354984.2, NM_002011.5 and 1 more transcripts); c.28G>A (NM_002011.4); short protein forms V10I.
Identifiers: ClinVar variation 1291710 (VCV001291710.4), dbSNP rs1966265, ClinGen allele CA3575785.

ClinVar aggregate classification (germline): Benign. Review status: criteria provided, single submitter (1 of 4 stars). 2 submissions from 2 submitters: Benign (1). 1 of the submissions does not count toward it. Last evaluated 2020-07-15.

Conditions:
FGFR4-related disorder. Also called: FGFR4-related condition.

Allele frequency attached by ClinVar (database versions not stated): ESP Exome Variant Server 0.17077; gnomAD 0.18476 and 0.19249; TOPMed 0.19157; 1000 Genomes Project 30x 0.22299; 1000 Genomes Project 0.22883; ExAC 0.24082; gnomAD exomes 0.24397 and 0.24631.
gnomAD v4.1: 384,854 of 1,613,302 alleles (24%); highest among the groups gnomAD compares: East Asian, 53%; 50,228 homozygotes.

Submissions (2):

GeneDx
Classification: Benign. Last evaluated: 2020-07-15. Review status: criteria provided, single submitter. Criteria: GeneDx Variant Classification Process June 2021. Collection method: clinical testing. Allele origin: germline. Affected: yes.
Comment: This variant is associated with the following publications: (PMID: 24200957)

PreventionGenetics, part of Exact Sciences
Classification: Benign for FGFR4-related condition. Last evaluated: 2024-08-21. Review status: no assertion criteria provided. Collection method: clinical testing. Allele origin: germline. Not counted in ClinVar's aggregate classification.
Comment: This variant is classified as benign based on ACMG/AMP sequence variant interpretation guidelines (Richards et al. 2015 PMID: 25741868, with internal and published modifications).